The following is an entry in ClinVar:

NM_025103.4(IFT74):c.1216C>T (p.Arg406Cys)

Gene: IFT74 (intraflagellar transport 74; plus strand). Cytogenetic location: 9p21.2.
Variant type: single nucleotide variant.
Coding change: c.1216C>T on transcript NM_025103.4 (MANE Select); coding-DNA position 1216, C replaced by T.
Protein change: p.Arg406Cys; replaces arginine 406 with cysteine.
Molecular consequence: missense variant.
Genome position (GRCh38, 1-based): chr9:27,048,157, C>T. VCF-style: chr9-27048157-C-T. GRCh37 (hg19) VCF-style: chr9-27048155-C-T.
Other names: c.1216C>T, p.Arg406Cys (NM_001099222.3, NM_001099223.3, NM_001349928.2); short protein forms R406C.
Identifiers: ClinVar variation 2091007 (VCV002091007.4), dbSNP rs781206836, ClinGen allele CA5015611.

ClinVar aggregate classification (germline): Uncertain significance (1 of 4 stars; one submission).

Allele frequency attached by ClinVar (database versions not stated): gnomAD exomes below 0.00001; ExAC 0.00001.
gnomAD v4.1: 5 of 1,558,338 alleles (0.00032%); highest among the groups gnomAD compares: East Asian, 0.0023%; no homozygotes.

Submission:

Labcorp Genetics (formerly Invitae), Labcorp
Classification: Uncertain significance. Last evaluated: 2024-10-16. Review status: criteria provided, single submitter. Criteria: Invitae Variant Classification Sherloc (09022015). Collection method: clinical testing. Allele origin: germline.
Comment: This sequence change replaces arginine, which is basic and polar, with cysteine, which is neutral and slightly polar, at codon 406 of the IFT74 protein (p.Arg406Cys). This variant is present in population databases (rs781206836, gnomAD 0.002%). This variant has not been reported in the literature in individuals affected with IFT74-related conditions. ClinVar contains an entry for this variant (Variation ID: 2091007). An algorithm developed to predict the effect of missense changes on protein structure and function (PolyPhen-2) suggests that this variant is likely to be tolerated. In summary, the available evidence is currently insufficient to determine the role of this variant in disease. Therefore, it has been classified as a Variant of Uncertain Significance.